The following is an entry in ClinVar:

ClinVar aggregate classification (germline): Uncertain significance. Review status: criteria provided, multiple submitters, no conflicts (2 of 4 stars). 3 submissions from 3 submitters: Uncertain significance (3). Last evaluated 2025-09-25.

Conditions:
Hereditary cancer-predisposing syndrome. Also called: Tumor predisposition; Neoplastic Syndromes, Hereditary; Hereditary Cancer Syndrome; Hereditary neoplastic syndrome. Identifiers: Orphanet 140162, MedGen C0027672, MeSH D009386, MONDO:0015356.
POLD1-related polyposis and colorectal cancer syndrome (CRCS10). Also called: Colorectal cancer 10; COLORECTAL CANCER, SUSCEPTIBILITY TO, ON CHROMOSOME 19q; Colorectal cancer, susceptibility to, 10. Identifiers: Orphanet 220460, MedGen C2675481, MONDO:0012953, OMIM 612591.

Allele frequency attached by ClinVar (database versions not stated): TOPMed 0.00002.

Submissions (3):

Labcorp Genetics (formerly Invitae), Labcorp
Classification: Uncertain significance for POLD1-related polyposis and colorectal cancer syndrome. Last evaluated: 2025-09-25. Review status: criteria provided, single submitter. Criteria: Invitae Variant Classification Sherloc (09022015). Collection method: clinical testing. Allele origin: germline.
Comment: This sequence change replaces alanine, which is neutral and non-polar, with glutamic acid, which is acidic and polar, at codon 810 of the POLD1 protein (p.Ala810Glu). This variant is not present in population databases (gnomAD no frequency). This missense change has been observed in individual(s) with clinical features of POLD1-related conditions (PMID: 34326862). ClinVar contains an entry for this variant (Variation ID: 537132). Invitae Evidence Modeling of protein sequence and biophysical properties (such as structural, functional, and spatial information, amino acid conservation, physicochemical variation, residue mobility, and thermodynamic stability) indicates that this missense variant is expected to disrupt POLD1 protein function with a positive predictive value of 80%. In summary, the available evidence is currently insufficient to determine the role of this variant in disease. Therefore, it has been classified as a Variant of Uncertain Significance.

Ambry Genetics
Classification: Uncertain significance for Hereditary cancer-predisposing syndrome. Last evaluated: 2024-11-08. Review status: criteria provided, single submitter. Criteria: Ambry Variant Classification Scheme 2023. Collection method: clinical testing. Allele origin: germline.
Comment: The p.A810E variant (also known as c.2429C>A), located in coding exon 19 of the POLD1 gene, results from a C to A substitution at nucleotide position 2429. The alanine at codon 810 is replaced by glutamic acid, an amino acid with dissimilar properties. This amino acid position is highly conserved in available vertebrate species. In addition, this alteration is predicted to be deleterious by in silico analysis. Based on the available evidence, the clinical significance of this variant remains unclear.

St. Jude Molecular Pathology, St. Jude Children's Research Hospital
Classification: Uncertain significance for POLD1-related polyposis and colorectal cancer syndrome. Last evaluated: 2021-05-04. Review status: criteria provided, single submitter. Criteria: St. Jude Assertion Criteria 2020. Collection method: clinical testing. Allele origin: germline.
Comment: The POLD1 c.2429C>A (p.Ala810Glu) missense change is absent in gnomAD v2.1.1 (PM2_supporting). Six of seven in silico tools predict a deleterious effect of this variant on protein function (PP3), but to our knowledge these predictions have not been confirmed by functional assays. This variant has been identified in a tumor with low tumor mutational burden (internal data). To our knowledge, this variant has not been reported in the literature in individuals with POLD1-related disease. In summary, this variant meets criteria to be classified as of uncertain significance based on the ACMG/AMP criteria: PM2_supporting, PP3.

Literature cited by the submitters: PubMed 34326862 (cited by Labcorp Genetics (formerly Invitae), Labcorp).

NM_002691.4(POLD1):c.2429C>A (p.Ala810Glu)

Gene: POLD1 (DNA polymerase delta 1, catalytic subunit; plus strand). Cytogenetic location: 19q13.33.
Variant type: single nucleotide variant.
Coding change: c.2429C>A on transcript NM_002691.4 (MANE Select); coding-DNA position 2429, C replaced by A.
Protein change: p.Ala810Glu; replaces alanine 810 with glutamic acid.
Molecular consequence: missense variant. On other transcripts: non-coding transcript variant (1).
Genome position (GRCh38, 1-based): chr19:50,414,855, C>A. VCF-style: chr19-50414855-C-A. GRCh37 (hg19) VCF-style: chr19-50918112-C-A.
Other names: c.2429C>A, p.Ala810Glu (NM_001256849.1); c.2507C>A, p.Ala836Glu (NM_001308632.1); c.2429C>A (NM_002691.2); short protein forms A836E, A810E.
Identifiers: ClinVar variation 537132 (VCV000537132.11), dbSNP rs765981178, ClinGen allele CA309604762.
Genomic context (GRCh38, chr19:50,414,855, plus strand): 5'-TGGCCATGGCTCCCTCCCAGGTCTACTTCCCATACCTGCTTATCAGCAAGAAGCGCTACG[C>A]GGGCCTGCTCTTCTCCTCCCGGCCCGACGCCCACGACCGCATGGACTGCAAGGGCCTGGA-3'
Protein context (NP_002682.2, residues 800-820): PYLLISKKRY[Ala810Glu]GLLFSSRPDA